The following is an entry in ClinVar:

NM_024426.6(WT1):c.343C>A (p.Pro115Thr)

Genes: WT1 (WT1 transcription factor; minus strand), LOC107982234 (WT1/WT1-AS bi-directional promoter region; plus strand). Cytogenetic location: 11p13.
Variant type: single nucleotide variant.
Coding change: c.343C>A on transcript NM_024426.6 (MANE Select); coding-DNA position 343, C replaced by A.
Protein change: p.Pro115Thr; replaces proline 115 with threonine.
Molecular consequence: missense variant. On other transcripts: non-coding transcript variant (1).
Genome position (GRCh38, 1-based): chr11:32,435,018, G>T on the plus strand (C>A on the coding strand, the complement: WT1 is on the minus strand). VCF-style: chr11-32435018-G-T. GRCh37 (hg19) VCF-style: chr11-32456564-G-T.
Other names: c.343C>A, p.Pro115Thr (NM_000378.6, NM_024424.5); short protein forms P115T.
Identifiers: ClinVar variation 1036583 (VCV001036583.9), dbSNP rs916583720, ClinGen allele CA379965885.

ClinVar aggregate classification (germline): Uncertain significance (1 of 4 stars; one submission).

Conditions:
Wilms tumor 1 (WT1). Also called: Wilms tumor, somatic. Identifiers: Orphanet 654, MedGen CN033288, MONDO:0008679, OMIM 194070.
11p partial monosomy syndrome (WAGR). Also called: WAGR Spectrum Disorder; WAGR Complex; WAGR syndrome; CHROMOSOME 11p13 DELETION SYNDROME. Identifiers: Orphanet 893, MedGen C0206115, MONDO:0008681, OMIM 194072.
Drash syndrome (DDS). Also called: NEPHROPATHY, WILMS TUMOR, AND GENITAL ANOMALIES; WILMS TUMOR AND PSEUDO- OR TRUE HERMAPHRODITISM. Identifiers: Orphanet 220, MedGen C0950121, MONDO:0008682, OMIM 194080.
Frasier syndrome. Identifiers: Orphanet 347, MedGen C0950122, MeSH D052159, MONDO:0007635, OMIM 136680.

Submission:

Labcorp Genetics (formerly Invitae), Labcorp
Classification: Uncertain significance for Wilms tumor 1; Drash syndrome; 11p partial monosomy syndrome; Frasier syndrome. Last evaluated: 2018-04-07. Review status: criteria provided, single submitter. Criteria: Invitae Variant Classification Sherloc (09022015). Collection method: clinical testing. Allele origin: germline.
Comment: In summary, the available evidence is currently insufficient to determine the role of this variant in disease. Therefore, it has been classified as a Variant of Uncertain Significance. Algorithms developed to predict the effect of missense changes on protein structure and function (SIFT, PolyPhen-2, Align-GVGD) all suggest that this variant is likely to be tolerated, but these predictions have not been confirmed by published functional studies and their clinical significance is uncertain. This variant has not been reported in the literature in individuals with WT1-related disease. While this variant is not present in population databases, the frequency information is unreliable, as metrics indicate poor data quality at this position in the ExAC database. This sequence change replaces proline with threonine at codon 110 of the WT1 protein (p.Pro110Thr). The proline residue is highly conserved and there is a small physicochemical difference between proline and threonine.